The following is an entry in ClinVar:

ClinVar aggregate classification (germline): Uncertain significance. Review status: criteria provided, multiple submitters, no conflicts (2 of 4 stars). 5 submissions from 5 submitters: Uncertain significance (5). Last evaluated 2025-08-02.

Conditions:
Charcot-Marie-Tooth disease recessive intermediate B. Also called: CHARCOT-MARIE-TOOTH NEUROPATHY, RECESSIVE INTERMEDIATE B. Identifiers: Orphanet 254334, MedGen C3150897, MONDO:0013338, OMIM 613641.

Allele frequency attached by ClinVar (database versions not stated): ExAC 0.00002; gnomAD 0.00002; gnomAD exomes 0.00004; TOPMed 0.00004.
gnomAD v4.1: 71 of 1,614,022 alleles (0.0044%); highest among the groups gnomAD compares: Admixed American, 0.02%; no homozygotes.

Submissions (5):

Ambry Genetics
Classification: Uncertain significance. Last evaluated: 2025-08-02. Review status: criteria provided, single submitter. Criteria: Ambry Variant Classification Scheme 2023. Collection method: clinical testing. Allele origin: germline.

Blueprint Genetics
Classification: Uncertain significance. Last evaluated: 2024-07-15. Review status: criteria provided, single submitter. Criteria: ACMG Guidelines, 2015. Collection method: clinical testing. Allele origin: germline.

Labcorp Genetics (formerly Invitae), Labcorp
Classification: Uncertain significance. Last evaluated: 2022-08-22. Review status: criteria provided, single submitter. Criteria: Invitae Variant Classification Sherloc (09022015). Collection method: clinical testing. Allele origin: germline.
Comment: This sequence change replaces arginine, which is basic and polar, with glutamine, which is neutral and polar, at codon 535 of the KARS protein (p.Arg535Gln). This variant is present in population databases (rs752076127, gnomAD 0.01%). This variant has not been reported in the literature in individuals affected with KARS-related conditions. ClinVar contains an entry for this variant (Variation ID: 1299692). Algorithms developed to predict the effect of missense changes on protein structure and function (SIFT, PolyPhen-2, Align-GVGD) all suggest that this variant is likely to be tolerated. Algorithms developed to predict the effect of sequence changes on RNA splicing suggest that this variant may create or strengthen a splice site. In summary, the available evidence is currently insufficient to determine the role of this variant in disease. Therefore, it has been classified as a Variant of Uncertain Significance.

GeneDx
Classification: Uncertain significance. Last evaluated: 2022-04-29. Review status: criteria provided, single submitter. Criteria: GeneDx Variant Classification Process June 2021. Collection method: clinical testing. Allele origin: germline. Affected: yes.

Laboratório de Neurologia Aplicada e Experimental, Faculdade de Medicina de Ribeirao Preto – Universidade de Sao Paulo
Classification: Uncertain significance for Charcot-Marie-Tooth disease recessive intermediate B. Last evaluated: 2021-07-20. Review status: criteria provided, single submitter. Criteria: ACMG Guidelines, 2015. Collection method: research. Allele origin: germline. Inheritance: Autosomal dominant inheritance. Affected: yes. Observed: 1 variant allele, 1 heterozygote.
Comment: The c.1520G>A (p.Arg507Gln) variant in the KARS1 gene has not been described in the literature to our knowledge. This variant replaces Arginine with Glutamine at codon 507 of the KARS1 protein that is highly conserved across different species. This variant is present in the gnomAD (rs752076127; 0.04242e-3) and ABraOM (rs752076127; 0.001281) population database at a low frequency. In summary, the available evidence is insufficient to determine the clinical significance of this variant. Therefore, it has been classified as a variant of uncertain significance (VUS).

NM_005548.3(KARS1):c.1520G>A (p.Arg507Gln)

Gene: KARS1 (lysyl-tRNA synthetase 1; minus strand). Cytogenetic location: 16q23.1.
Variant type: single nucleotide variant.
Coding change: c.1520G>A on transcript NM_005548.3 (MANE Select); coding-DNA position 1520, G replaced by A.
Protein change: p.Arg507Gln; replaces arginine 507 with glutamine.
Molecular consequence: missense variant.
Genome position (GRCh38, 1-based): chr16:75,629,446, C>T on the plus strand (G>A on the coding strand, the complement: KARS1 is on the minus strand). VCF-style: chr16-75629446-C-T. GRCh37 (hg19) VCF-style: chr16-75663344-C-T.
Other names: chr16-75629446-C-T; p.Arg507Gln; c.1604G>A, p.Arg535Gln (NM_001130089.2); c.1052G>A, p.Arg351Gln (NM_001378148.1); c.1604G>A (NM_001130089.1); short protein forms R351Q, R507Q, R535Q.
Identifiers: ClinVar variation 1299692 (VCV001299692.8), dbSNP rs752076127, ClinGen allele CA8177209.